The following is an entry in ClinVar:

ClinVar aggregate classification (germline): Uncertain significance (1 of 4 stars; one submission).

Submission:

Labcorp Genetics (formerly Invitae), Labcorp
Classification: Uncertain significance. Last evaluated: 2025-03-19. Review status: criteria provided, single submitter. Criteria: Invitae Variant Classification Sherloc (09022015). Collection method: clinical testing. Allele origin: germline.
Comment: This sequence change replaces alanine, which is neutral and non-polar, with valine, which is neutral and non-polar, at codon 47 of the HOXA13 protein (p.Ala47Val). This variant is not present in population databases (gnomAD no frequency). This variant has not been reported in the literature in individuals affected with HOXA13-related conditions. ClinVar contains an entry for this variant (Variation ID: 1482792). Experimental studies and prediction algorithms are not available or were not evaluated, and the functional significance of this variant is currently unknown. In summary, the available evidence is currently insufficient to determine the role of this variant in disease. Therefore, it has been classified as a Variant of Uncertain Significance.

NM_000522.5(HOXA13):c.140C>T (p.Ala47Val)

Genes: HOXA13 (homeobox A13; minus strand), LOC107126288 (NUP98-HOXA13 recombination region; plus strand). Cytogenetic location: 7p15.2.
Variant type: single nucleotide variant.
Coding change: c.140C>T on transcript NM_000522.5 (MANE Select); coding-DNA position 140, C replaced by T.
Protein change: p.Ala47Val; replaces alanine 47 with valine.
Molecular consequence: missense variant.
Genome position (GRCh38, 1-based): chr7:27,199,938, G>A on the plus strand (C>T on the coding strand, the complement: HOXA13 is on the minus strand). VCF-style: chr7-27199938-G-A. GRCh37 (hg19) VCF-style: chr7-27239557-G-A.
Other names: short protein forms A47V.
Identifiers: ClinVar variation 1482792 (VCV001482792.6), dbSNP rs2115473178, ClinGen allele CA367076079.